The following is an entry in ClinVar:

NM_005005.3(NDUFB9):c.436C>T (p.Pro146Ser)

Gene: NDUFB9 (NADH:ubiquinone oxidoreductase subunit B9; plus strand). Cytogenetic location: 8q24.13.
Variant type: single nucleotide variant.
Coding change: c.436C>T on transcript NM_005005.3 (MANE Select); coding-DNA position 436, C replaced by T.
Protein change: p.Pro146Ser; replaces proline 146 with serine.
Molecular consequence: missense variant.
Genome position (GRCh38, 1-based): chr8:124,549,788, C>T. VCF-style: chr8-124549788-C-T. GRCh37 (hg19) VCF-style: chr8-125562029-C-T.
Other names: p.P146S:CCT>TCT; c.268C>T, p.Pro90Ser (NM_001278645.2); c.307C>T, p.Pro103Ser (NM_001278646.2); c.403C>T, p.Pro135Ser (NM_001311168.2); short protein forms P146S, P90S, P103S, P135S.
Identifiers: ClinVar variation 138469 (VCV000138469.14), dbSNP rs10195, ClinGen allele CA292474.

ClinVar aggregate classification (germline): Benign. Review status: criteria provided, multiple submitters, no conflicts (2 of 4 stars). 4 submissions from 4 submitters: Benign (3). 1 of the submissions does not count toward it. Last evaluated 2026-02-01.

Allele frequency attached by ClinVar (database versions not stated): ESP Exome Variant Server 0.09042; gnomAD exomes 0.09199 and 0.09243; 1000 Genomes Project 30x 0.10025; 1000 Genomes Project 0.10284; TOPMed 0.09130; gnomAD 0.09656 and 0.09691; ExAC 0.09258.
gnomAD v4.1: 149,978 of 1,613,860 alleles (9.3%); highest among the groups gnomAD compares: East Asian, 19%; 7,616 homozygotes.

Submissions (4):

Labcorp Genetics (formerly Invitae), Labcorp
Classification: Benign. Last evaluated: 2026-02-01. Review status: criteria provided, single submitter. Criteria: Invitae Variant Classification Sherloc (09022015). Collection method: clinical testing. Allele origin: germline.

GeneDx
Classification: Benign. Last evaluated: 2013-09-10. Review status: criteria provided, single submitter. Criteria: GeneDx Variant Classification (06012015). Collection method: clinical testing. Allele origin: germline. Affected: yes.
Comment: This variant is considered likely benign or benign based on one or more of the following criteria: it is a conservative change, it occurs at a poorly conserved position in the protein, it is predicted to be benign by multiple in silico algorithms, and/or has population frequency not consistent with disease.

Breakthrough Genomics
Classification: Benign. Review status: criteria provided, single submitter. Criteria: ACMG Guidelines, 2015. Collection method: not provided. Allele origin: germline. Inheritance: Autosomal recessive inheritance. Affected: yes.

Mayo Clinic Laboratories, Mayo Clinic
Classification: Benign. Last evaluated: 2016-02-23. Review status: no assertion criteria provided. Collection method: clinical testing. Allele origin: unknown. Not counted in ClinVar's aggregate classification.